The following is an entry in ClinVar:

NM_018972.4(GDAP1):c.348G>A (p.Met116Ile)

Gene: GDAP1 (ganglioside induced differentiation associated protein 1; plus strand). Cytogenetic location: 8q21.11.
Variant type: single nucleotide variant.
Coding change: c.348G>A on transcript NM_018972.4 (MANE Select); coding-DNA position 348, G replaced by A.
Protein change: p.Met116Ile; replaces methionine 116 with isoleucine.
Molecular consequence: missense variant. On other transcripts: intron variant (1).
Genome position (GRCh38, 1-based): chr8:74,360,174, G>A. VCF-style: chr8-74360174-G-A. GRCh37 (hg19) VCF-style: chr8-75272409-G-A.
Other names: c.144G>A, p.Met48Ile (NM_001040875.4); c.21G>A, p.Met7Ile (NM_001362929.2, NM_001362932.2); c.348G>A, p.Met116Ile (NM_001362931.2); c.311-1710G>A (NM_001362930.2); short protein forms M116I, M48I, M7I.
Identifiers: ClinVar variation 2573594 (VCV002573594.1), dbSNP rs2536741059, ClinGen allele CA371548426.

ClinVar aggregate classification (germline): Uncertain significance (1 of 4 stars; one submission).

Submission:

Women's Health and Genetics/Laboratory Corporation of America, LabCorp
Classification: Uncertain significance. Last evaluated: 2023-06-26. Review status: criteria provided, single submitter. Criteria: LabCorp Variant Classification Summary - May 2015. Collection method: clinical testing. Allele origin: germline.
Comment: Variant summary: GDAP1 c.348G>A (p.Met116Ile) results in a conservative amino acid change in the encoded protein sequence. Three of five in-silico tools predict a benign effect of the variant on protein function. The variant was absent in 251466 control chromosomes (gnomAD). The available data on variant occurrences in the general population are insufficient to allow any conclusion about variant significance. To our knowledge, no occurrence of c.348G>A in individuals affected with Charcot-Marie Disease Type 4A and no experimental evidence demonstrating its impact on protein function have been reported. No submitters have cited clinical-significance assessments for this variant to ClinVar after 2014. Based on the evidence outlined above, the variant was classified as uncertain significance.